The following is an entry in ClinVar:

NM_021008.4(DEAF1):c.1215G>A (p.Pro405=)

Gene: DEAF1 (DEAF1 transcription factor; minus strand). Cytogenetic location: 11p15.5.
Variant type: single nucleotide variant.
Coding change: c.1215G>A on transcript NM_021008.4 (MANE Select); coding-DNA position 1215, G replaced by A.
Protein change: p.Pro405=; no amino-acid change (proline 405 retained).
Molecular consequence: synonymous variant.
Genome position (GRCh38, 1-based): chr11:678,734, C>T on the plus strand (G>A on the coding strand, the complement: DEAF1 is on the minus strand). VCF-style: chr11-678734-C-T. GRCh37 (hg19) VCF-style: chr11-678734-C-T.
Other names: c.948G>A, p.Pro316= (NM_001293634.2); c.489G>A, p.Pro163= (NM_001367390.1).
Identifiers: ClinVar variation 2054936 (VCV002054936.5), dbSNP rs374423862, ClinGen allele CA5786278.

ClinVar aggregate classification (germline): Likely benign. Review status: criteria provided, multiple submitters, no conflicts (2 of 4 stars). 2 submissions from 2 submitters: Likely benign (2). Last evaluated 2026-07-01.

Allele frequency attached by ClinVar (database versions not stated): gnomAD exomes 0.00001; ExAC 0.00002; gnomAD 0.00002; TOPMed 0.00002; ESP Exome Variant Server 0.00008; 1000 Genomes Project 30x 0.00016; 1000 Genomes Project 0.00020.
gnomAD v4.1: 18 of 1,614,180 alleles (0.0011%); highest among the groups gnomAD compares: African/African-American, 0.0027%; no homozygotes.

Submissions (2):

CeGaT Center for Human Genetics Tuebingen
Classification: Likely benign. Last evaluated: 2026-07-01. Review status: criteria provided, single submitter. Criteria: CeGaT Center For Human Genetics Tuebingen Variant Classification Criteria Version 2. Collection method: clinical testing. Allele origin: germline. Affected: yes. Observed: 1 variant allele.
Comment: DEAF1: BP4, BP7

Labcorp Genetics (formerly Invitae), Labcorp
Classification: Likely benign. Last evaluated: 2025-11-12. Review status: criteria provided, single submitter. Criteria: Invitae Variant Classification Sherloc (09022015). Collection method: clinical testing. Allele origin: germline.